The following is an entry in ClinVar:

ClinVar aggregate classification (germline): Uncertain significance (1 of 4 stars; one submission).

Conditions:
PLXNA2-related disorder. Also called: PLXNA2-related condition.

Submission:

PreventionGenetics, part of Exact Sciences
Classification: Uncertain significance for PLXNA2-related condition. Last evaluated: 2025-12-18. Review status: criteria provided, single submitter. Criteria: ACMG Guidelines, 2015. Collection method: clinical testing. Allele origin: germline.
Comment: The PLXNA2 c.4822C>T variant is predicted to result in the amino acid substitution p.Pro1608Ser. To our knowledge, this variant has not been reported in the literature or in a large population database (gnomAD), indicating this variant is rare. At this time, the clinical significance of this variant is uncertain due to the absence of conclusive functional and genetic evidence.

NM_025179.4(PLXNA2):c.4822C>T (p.Pro1608Ser)

Gene: PLXNA2 (plexin A2; minus strand). Cytogenetic location: 1q32.2.
Variant type: single nucleotide variant.
Coding change: c.4822C>T on transcript NM_025179.4 (MANE Select); coding-DNA position 4822, C replaced by T.
Protein change: p.Pro1608Ser; replaces proline 1608 with serine.
Molecular consequence: missense variant.
Genome position (GRCh38, 1-based): chr1:208,034,535, G>A on the plus strand (C>T on the coding strand, the complement: PLXNA2 is on the minus strand). VCF-style: chr1-208034535-G-A. GRCh37 (hg19) VCF-style: chr1-208207880-G-A.
Other names: short protein forms P1608S.
Identifiers: ClinVar variation 4995321 (VCV004995321.1).